The following is an entry in ClinVar:

ClinVar aggregate classification (germline): Likely pathogenic (1 of 4 stars; one submission).

Conditions:
Inborn genetic diseases. Identifiers: MedGen C0950123, MeSH D030342.

Submission:

Ambry Genetics
Classification: Likely pathogenic for Inborn genetic diseases. Last evaluated: 2025-05-19. Review status: criteria provided, single submitter. Criteria: Ambry Variant Classification Scheme 2023. Collection method: clinical testing. Allele origin: germline.
Comment: The c.64C>T (p.R22*) alteration, located in exon 2 (coding exon 1) of the PTPN4 gene, consists of a C to T substitution at nucleotide position 64. This changes the amino acid from a arginine (R) to a stop codon at amino acid position 22. The predicted stop codon occurs in the 5' end of the PTPN4 gene. Premature termination codons in the 5&rsquo; end of a gene have been reported to escape nonsense-mediated mRNA decay and/or lead to re-initiation (Rivas, 2015; Lindeboom, 2016; Rhee, 2017). Direct evidence for this alteration is unavailable; however, premature termination codons are typically deleterious in nature. This variant was not reported in population-based cohorts in the Genome Aggregation Database (gnomAD). Based on the available evidence, this alteration is classified as likely pathogenic.

Literature cited by the submitters: PubMed 25954003; PubMed 27618451; PubMed 28490743.

NM_002830.4(PTPN4):c.64C>T (p.Arg22Ter)

Gene: PTPN4 (protein tyrosine phosphatase non-receptor type 4; plus strand). Cytogenetic location: 2q14.2.
Variant type: single nucleotide variant.
Coding change: c.64C>T on transcript NM_002830.4 (MANE Select); coding-DNA position 64, C replaced by T.
Protein change: p.Arg22Ter; replaces arginine 22 with a stop codon.
Molecular consequence: nonsense.
Genome position (GRCh38, 1-based): chr2:119,809,917, C>T. VCF-style: chr2-119809917-C-T. GRCh37 (hg19) VCF-style: chr2-120567493-C-T.
Other names: short protein forms R22*.
Identifiers: ClinVar variation 3940588 (VCV003940588.1).
Genomic context (GRCh38, chr2:119,809,917, plus strand): 5'-ACCTCACGTTTCCGATTGCCTGCTGGCAGAACCTACAATGTACGAGCATCAGAGTTGGCC[C>T]GAGACAGACAGCATACTGAAGTGGTTTGCAACATCCTTCTTCTGGATAACACTGTACAAG-3'